The following is an entry in ClinVar:

ClinVar aggregate classification (germline): Uncertain significance (1 of 4 stars; one submission).

Conditions:
Inborn genetic diseases. Identifiers: MedGen C0950123, MeSH D030342.

Submission:

Ambry Genetics
Classification: Uncertain significance for Inborn genetic diseases. Last evaluated: 2024-08-01. Review status: criteria provided, single submitter. Criteria: Ambry Variant Classification Scheme 2023. Collection method: clinical testing. Allele origin: germline.
Comment: Not expected to trigger nonsense-mediated mRNA decay Based on insufficient or conflicting evidence, the clinical significance of this alteration remains unclear.

NM_001083619.3(GRIA2):c.2611del (p.Glu871fs)

Gene: GRIA2 (glutamate ionotropic receptor AMPA type subunit 2; plus strand). Cytogenetic location: 4q32.1.
Variant type: Deletion.
Coding change: c.2611del on transcript NM_001083619.3 (MANE Select); coding-DNA position 2611, one base deleted (G; older notation c.2611delG).
Protein change: p.Glu871fs; shifts the reading frame from glutamic acid 871.
Molecular consequence: frameshift variant.
Genome position (GRCh38, 1-based): chr4:157,363,003, G deleted; the last of 2 consecutive G bases (chr4:157,363,002-157,363,003); deleting either gives the same sequence. VCF-style (leftmost placement, unchanged base first): chr4-157363001-AG-A. GRCh37 (hg19) VCF-style: chr4-158284153-AG-A.
Other names: c.2611del, p.Glu871fs (NM_000826.6); c.2470del, p.Glu824fs (NM_001083620.3, NM_001379000.3, NM_001379001.3); short protein forms E824fs, E871fs.
Identifiers: ClinVar variation 3522571 (VCV003522571.1).